The following is an entry in ClinVar:

ClinVar aggregate classification (germline): Pathogenic (1 of 4 stars; one submission).

Conditions:
Ehlers-Danlos syndrome, kyphoscoliotic type 1 (EDSKSCL1). Also called: Ehlers-Danlos syndrome, hydroxylysine-deficient; EHLERS-DANLOS SYNDROME, OCULAR-SCOLIOTIC TYPE; PLOD1-Related Kyphoscoliotic Ehlers-Danlos Syndrome; EHLERS-DANLOS SYNDROME, TYPE VIA. Identifiers: Orphanet 1900, MedGen C0268342, MONDO:0016002, OMIM 225400. Disease mechanism: loss of function.

Submission:

Labcorp Genetics (formerly Invitae), Labcorp
Classification: Pathogenic for Ehlers-Danlos syndrome, kyphoscoliotic type 1. Last evaluated: 2023-05-13. Review status: criteria provided, single submitter. Criteria: Invitae Variant Classification Sherloc (09022015). Collection method: clinical testing. Allele origin: germline.
Comment: For these reasons, this variant has been classified as Pathogenic. This variant has not been reported in the literature in individuals affected with PLOD1-related conditions. This variant is not present in population databases (gnomAD no frequency). This sequence change creates a premature translational stop signal (p.Asn163Glnfs*54) in the PLOD1 gene. It is expected to result in an absent or disrupted protein product. Loss-of-function variants in PLOD1 are known to be pathogenic (PMID: 10874315, 21699693).

Literature cited by the submitters: PubMed 10874315; PubMed 21699693.

NM_000302.4(PLOD1):c.486dup (p.Asn163fs)

Gene: PLOD1 (procollagen-lysine,2-oxoglutarate 5-dioxygenase 1; plus strand). Cytogenetic location: 1p36.22.
Variant type: Duplication.
Coding change: c.486dup on transcript NM_000302.4 (MANE Select); coding-DNA position 486, one base duplicated (C; older notation c.486dupC).
Protein change: p.Asn163fs; shifts the reading frame from asparagine 163.
Molecular consequence: frameshift variant.
Genome position (GRCh38, 1-based): chr1:11,952,642, C duplicated; the last of 5 consecutive C bases (chr1:11,952,638-11,952,642); duplicating any one gives the same sequence. VCF-style (leftmost placement, unchanged base first): chr1-11952637-G-GC. GRCh37 (hg19) VCF-style: chr1-12012694-G-GC.
Other names: c.627dup, p.Asn210fs (NM_001316320.2); short protein forms N210fs, N163fs.
Identifiers: ClinVar variation 2863883 (VCV002863883.3), dbSNP rs2522814526, ClinGen allele CA2643316750.